The following is an entry in ClinVar:

NM_002439.5(MSH3):c.778G>A (p.Gly260Arg)

Gene: MSH3 (mutS homolog 3; plus strand). Cytogenetic location: 5q14.1.
Variant type: single nucleotide variant.
Coding change: c.778G>A on transcript NM_002439.5 (MANE Select); coding-DNA position 778, G replaced by A.
Protein change: p.Gly260Arg; replaces glycine 260 with arginine.
Molecular consequence: missense variant.
Genome position (GRCh38, 1-based): chr5:80,670,295, G>A. VCF-style: chr5-80670295-G-A. GRCh37 (hg19) VCF-style: chr5-79966114-G-A.
Other names: short protein forms G260R.
Identifiers: ClinVar variation 1760639 (VCV001760639.7), dbSNP rs1749676015, ClinGen allele CA360267006.

ClinVar aggregate classification (germline): Uncertain significance. Review status: criteria provided, multiple submitters, no conflicts (2 of 4 stars). 2 submissions from 2 submitters: Uncertain significance (2). Last evaluated 2023-04-19.

Conditions:
Hereditary cancer-predisposing syndrome. Also called: Neoplastic Syndromes, Hereditary; Tumor predisposition; Hereditary Cancer Syndrome; Hereditary neoplastic syndrome. Identifiers: Orphanet 140162, MedGen C0027672, MeSH D009386, MONDO:0015356.

Allele frequency attached by ClinVar (database versions not stated): TOPMed below 0.00001.

Submissions (2):

Labcorp Genetics (formerly Invitae), Labcorp
Classification: Uncertain significance. Last evaluated: 2023-04-19. Review status: criteria provided, single submitter. Criteria: Invitae Variant Classification Sherloc (09022015). Collection method: clinical testing. Allele origin: germline.
Comment: This variant has not been reported in the literature in individuals affected with MSH3-related conditions. This variant is not present in population databases (gnomAD no frequency). This sequence change replaces glycine, which is neutral and non-polar, with arginine, which is basic and polar, at codon 260 of the MSH3 protein (p.Gly260Arg). ClinVar contains an entry for this variant (Variation ID: 1760639). In summary, the available evidence is currently insufficient to determine the role of this variant in disease. Therefore, it has been classified as a Variant of Uncertain Significance. An algorithm developed to predict the effect of missense changes on protein structure and function (PolyPhen-2) suggests that this variant is likely to be disruptive.

Ambry Genetics
Classification: Uncertain significance for Hereditary cancer-predisposing syndrome. Last evaluated: 2022-10-19. Review status: criteria provided, single submitter. Criteria: Ambry Variant Classification Scheme 2023. Collection method: clinical testing. Allele origin: germline.
Comment: The p.G260R variant (also known as c.778G>A), located in coding exon 4 of the MSH3 gene, results from a G to A substitution at nucleotide position 778. The glycine at codon 260 is replaced by arginine, an amino acid with dissimilar properties. This amino acid position is conserved. In addition, this alteration is predicted to be deleterious by in silico analysis. Since supporting evidence is limited at this time, the clinical significance of this alteration remains unclear.